The following is an entry in ClinVar:

ClinVar aggregate classification (germline): Uncertain significance (1 of 4 stars; one submission).

Submission:

Labcorp Genetics (formerly Invitae), Labcorp
Classification: Uncertain significance. Last evaluated: 2023-06-23. Review status: criteria provided, single submitter. Criteria: Invitae Variant Classification Sherloc (09022015). Collection method: clinical testing. Allele origin: germline.
Comment: In summary, the available evidence is currently insufficient to determine the role of this variant in disease. Therefore, it has been classified as a Variant of Uncertain Significance. Algorithms developed to predict the effect of missense changes on protein structure and function output the following: SIFT: "Not Available"; PolyPhen-2: "Benign"; Align-GVGD: "Not Available". The leucine amino acid residue is found in multiple mammalian species, which suggests that this missense change does not adversely affect protein function. This variant has not been reported in the literature in individuals affected with PNLIP-related conditions. This variant is not present in population databases (gnomAD no frequency). This sequence change replaces proline, which is neutral and non-polar, with leucine, which is neutral and non-polar, at codon 3 of the PNLIP protein (p.Pro3Leu).

NM_000936.4(PNLIP):c.8C>T (p.Pro3Leu)

Gene: PNLIP (pancreatic lipase; plus strand). Cytogenetic location: 10q25.3.
Variant type: single nucleotide variant.
Coding change: c.8C>T on transcript NM_000936.4 (MANE Select); coding-DNA position 8, C replaced by T.
Protein change: p.Pro3Leu; replaces proline 3 with leucine.
Molecular consequence: missense variant.
Genome position (GRCh38, 1-based): chr10:116,546,100, C>T. VCF-style: chr10-116546100-C-T. GRCh37 (hg19) VCF-style: chr10-118305612-C-T.
Other names: short protein forms P3L.
Identifiers: ClinVar variation 2713024 (VCV002713024.3), dbSNP rs2493041298, ClinGen allele CA378489633.
Genomic context (GRCh38, chr10:116,546,100, plus strand): 5'-GCCGATCTTTTAAAAACTTAGCCAGACTCAATCATGTTTTTAATTTCGTGTAGATGCTGC[C>T]ACTTTGGACTCTTTCACTGCTGCTGGGAGCAGTAGCAGGTAAGAAAACAAATAAATGTTG-3'
Protein context (NP_000927.1, residues 1-13): ML[Pro3Leu]LWTLSLLLGA